The following is an entry in ClinVar:

ClinVar aggregate classification (germline): Pathogenic (1 of 4 stars; one submission).

Submission:

Labcorp Genetics (formerly Invitae), Labcorp
Classification: Pathogenic. Last evaluated: 2023-04-09. Review status: criteria provided, single submitter. Criteria: Invitae Variant Classification Sherloc (09022015). Collection method: clinical testing. Allele origin: germline.
Comment: For these reasons, this variant has been classified as Pathogenic. This variant has not been reported in the literature in individuals affected with LAMC2-related conditions. This variant is not present in population databases (gnomAD no frequency). This sequence change creates a premature translational stop signal (p.Gln788*) in the LAMC2 gene. It is expected to result in an absent or disrupted protein product. Loss-of-function variants in LAMC2 are known to be pathogenic (PMID: 11907499, 16473856).

Literature cited by the submitters: PubMed 11907499; PubMed 16473856.

NM_005562.3(LAMC2):c.2362C>T (p.Gln788Ter)

Gene: LAMC2 (laminin subunit gamma 2; plus strand). Cytogenetic location: 1q25.3.
Variant type: single nucleotide variant.
Coding change: c.2362C>T on transcript NM_005562.3 (MANE Select); coding-DNA position 2362, C replaced by T.
Protein change: p.Gln788Ter; replaces glutamine 788 with a stop codon.
Molecular consequence: nonsense.
Genome position (GRCh38, 1-based): chr1:183,235,636, C>T. VCF-style: chr1-183235636-C-T. GRCh37 (hg19) VCF-style: chr1-183204771-C-T.
Other names: c.2362C>T, p.Gln788Ter (NM_018891.3); short protein forms Q788*.
Identifiers: ClinVar variation 2854183 (VCV002854183.3), dbSNP rs2526107661, ClinGen allele CA343695067.